The following is an entry in ClinVar:

ClinVar aggregate classification (germline): Pathogenic (1 of 4 stars; one submission).

Conditions:
Telangiectasia, hereditary hemorrhagic, type 1 (HHT1). Also called: ENG-Related Hereditary Hemorrhagic Telangiectasia; Osler Weber Rendu syndrome type 1. Identifiers: Orphanet 774, MedGen C4551861, MONDO:0008535, OMIM 187300. Disease mechanism: loss of function.

Submission:

Breda Genetics srl
Classification: Pathogenic for Telangiectasia, hereditary hemorrhagic, type 1. Last evaluated: 2019-09-10. Review status: criteria provided, single submitter. Criteria: ACMG Guidelines, 2015. Collection method: clinical testing. Allele origin: germline. Inheritance: Autosomal dominant inheritance. Affected: yes. Observed: 1 variant allele, 1 heterozygote.
Comment: The variant c.774C>G (p.Tyr258*) creates a premature stop codon at amino acid position Tyr258 which is likely to result in a truncated protein or protein loss due to nonsense-mediated messenger decay (NMD). This variant has not been reported in dbSNP, gnomAD, 1000 Genomes, NHLI Exome Sequencing Project (ESP) or ClinVar. The variant c.774C>G (p.Tyr258*) is reported as pathogenic in the HHT Mutation Database (ENG), with 6 other pathogenic mutations (nonsense, frameshift) that fall on the same amminoacid position. Current data suggest that approximately two thirds of variants in the ENG gene are functionally null alleles (McDonald et al., 2000, PMID: 20301525).

NM_001114753.3(ENG):c.774C>G (p.Tyr258Ter)

Gene: ENG (endoglin; minus strand). Cytogenetic location: 9q34.11.
Variant type: single nucleotide variant.
Coding change: c.774C>G on transcript NM_001114753.3 (MANE Select); coding-DNA position 774, C replaced by G.
Protein change: p.Tyr258Ter; replaces tyrosine 258 with a stop codon.
Molecular consequence: nonsense.
Genome position (GRCh38, 1-based): chr9:127,825,273, G>C on the plus strand (C>G on the coding strand, the complement: ENG is on the minus strand). VCF-style: chr9-127825273-G-C. GRCh37 (hg19) VCF-style: chr9-130587552-G-C.
Other names: c.774C>G, p.Tyr258Ter (NM_000118.4, NM_001406715.1); c.228C>G, p.Tyr76Ter (NM_001278138.2); short protein forms Y258*, Y76*.
Identifiers: ClinVar variation 916698 (VCV000916698.5), dbSNP rs537154767, ClinGen allele CA374983244.
Genomic context (GRCh38, chr9:127,825,273, plus strand): 5'-GAGCTGCGCACAACTCACCCAGATCTGCATGTTGTGGTTGGCGTCGATGAGCCAGGACAC[G>C]TAGGGGGGACCCTGCAGGATGAGGACGGCATCGAGATCCCCGGGTGCGCAGCTCAGTTCC-3'